The following is an entry in ClinVar:

NM_001009999.3(KDM1A):c.80C>T (p.Thr27Ile)

Gene: KDM1A (lysine demethylase 1A; plus strand). Cytogenetic location: 1p36.12.
Variant type: single nucleotide variant.
Coding change: c.80C>T on transcript NM_001009999.3 (MANE Select); coding-DNA position 80, C replaced by T.
Protein change: p.Thr27Ile; replaces threonine 27 with isoleucine.
Molecular consequence: missense variant.
Genome position (GRCh38, 1-based): chr1:23,019,676, C>T. VCF-style: chr1-23019676-C-T. GRCh37 (hg19) VCF-style: chr1-23346169-C-T.
Other names: c.80C>T, p.Thr27Ile (NM_001363654.2, NM_001410762.1, NM_001410763.1 and 1 more transcripts); c.80C>T (NM_001009999.2); short protein forms T27I.
Identifiers: ClinVar variation 3679308 (VCV003679308.3).

ClinVar aggregate classification (germline): Uncertain significance. Review status: criteria provided, multiple submitters, no conflicts (2 of 4 stars). 2 submissions from 2 submitters: Uncertain significance (2). Last evaluated 2025-08-30.

Conditions:
Inborn genetic diseases. Identifiers: MedGen C0950123, MeSH D030342.

gnomAD v4.1: 8 of 1,368,162 alleles (0.00058%); highest among the groups gnomAD compares: Non-Finnish European, 0.00075%; no homozygotes.

Submissions (2):

Ambry Genetics
Classification: Uncertain significance for Inborn genetic diseases. Last evaluated: 2025-08-30. Review status: criteria provided, single submitter. Criteria: Ambry Variant Classification Scheme 2023. Collection method: clinical testing. Allele origin: germline.

Labcorp Genetics (formerly Invitae), Labcorp
Classification: Uncertain significance. Last evaluated: 2025-01-25. Review status: criteria provided, single submitter. Criteria: Invitae Variant Classification Sherloc (09022015). Collection method: clinical testing. Allele origin: germline.
Comment: This sequence change replaces threonine, which is neutral and polar, with isoleucine, which is neutral and non-polar, at codon 27 of the KDM1A protein (p.Thr27Ile). This variant is present in population databases (no rsID available, gnomAD 0.01%). This variant has not been reported in the literature in individuals affected with KDM1A-related conditions. An algorithm developed to predict the effect of missense changes on protein structure and function (PolyPhen-2) suggests that this variant is likely to be tolerated. In summary, the available evidence is currently insufficient to determine the role of this variant in disease. Therefore, it has been classified as a Variant of Uncertain Significance.